The following is an entry in ClinVar:

ClinVar aggregate classification (germline): Uncertain significance (1 of 4 stars; one submission).

Conditions:
Alagille syndrome due to a JAG1 point mutation. Also called: JAG1-Related Alagille Syndrome; HEPATIC DUCTULAR HYPOPLASIA, SYNDROMATIC; Alagille Syndrome 1. Identifiers: Orphanet 261619, Orphanet 52, MedGen C1956125, MONDO:0016862, OMIM 118450.

Submission:

Labcorp Genetics (formerly Invitae), Labcorp
Classification: Uncertain significance for Alagille syndrome due to a JAG1 point mutation. Last evaluated: 2022-10-14. Review status: criteria provided, single submitter. Criteria: Invitae Variant Classification Sherloc (09022015). Collection method: clinical testing. Allele origin: germline.
Comment: In summary, the available evidence is currently insufficient to determine the role of this variant in disease. Therefore, it has been classified as a Variant of Uncertain Significance. Algorithms developed to predict the effect of sequence changes on RNA splicing suggest that this variant may create or strengthen a splice site. Advanced modeling of protein sequence and biophysical properties (such as structural, functional, and spatial information, amino acid conservation, physicochemical variation, residue mobility, and thermodynamic stability) performed at Invitae indicates that this missense variant is expected to disrupt JAG1 protein function. This variant has not been reported in the literature in individuals affected with JAG1-related conditions. This variant is not present in population databases (gnomAD no frequency). This sequence change replaces proline, which is neutral and non-polar, with alanine, which is neutral and non-polar, at codon 752 of the JAG1 protein (p.Pro752Ala).

NM_000214.3(JAG1):c.2254C>G (p.Pro752Ala)

Gene: JAG1 (jagged canonical Notch ligand 1; minus strand). Cytogenetic location: 20p12.2.
Variant type: single nucleotide variant.
Coding change: c.2254C>G on transcript NM_000214.3 (MANE Select); coding-DNA position 2254, C replaced by G.
Protein change: p.Pro752Ala; replaces proline 752 with alanine.
Molecular consequence: missense variant.
Genome position (GRCh38, 1-based): chr20:10,644,953, G>C on the plus strand (C>G on the coding strand, the complement: JAG1 is on the minus strand). VCF-style: chr20-10644953-G-C. GRCh37 (hg19) VCF-style: chr20-10625601-G-C.
Other names: short protein forms P752A.
Identifiers: ClinVar variation 1895835 (VCV001895835.5), dbSNP rs2514512995, ClinGen allele CA408235030.